The following is an entry in ClinVar:

NM_015450.3(POT1):c.930A>C (p.Glu310Asp)

Gene: POT1 (protection of telomeres 1; minus strand). Cytogenetic location: 7q31.33.
Variant type: single nucleotide variant.
Coding change: c.930A>C on transcript NM_015450.3 (MANE Select); coding-DNA position 930, A replaced by C.
Protein change: p.Glu310Asp; replaces glutamic acid 310 with aspartic acid.
Molecular consequence: missense variant. On other transcripts: non-coding transcript variant (3).
Genome position (GRCh38, 1-based): chr7:124,851,891, T>G on the plus strand (A>C on the coding strand, the complement: POT1 is on the minus strand). VCF-style: chr7-124851891-T-G. GRCh37 (hg19) VCF-style: chr7-124491945-T-G.
Other names: c.537A>C, p.Glu179Asp (NM_001042594.2); short protein forms E310D, E179D.
Identifiers: ClinVar variation 2849427 (VCV002849427.3), dbSNP rs2485436939, ClinGen allele CA369054314.

ClinVar aggregate classification (germline): Uncertain significance (1 of 4 stars; one submission).

Conditions:
Tumor predisposition syndrome 3 (TPDS3). Also called: LONG TELOMERE SYNDROME, POT1-RELATED; POT1 Tumor Predisposition; Melanoma, cutaneous malignant, susceptibility to, 10; Glioma susceptibility 9. Identifiers: Orphanet 618, MedGen C4014476, MONDO:0014368, OMIM 615848.

Submission:

Labcorp Genetics (formerly Invitae), Labcorp
Classification: Uncertain significance for Tumor predisposition syndrome 3. Last evaluated: 2023-03-26. Review status: criteria provided, single submitter. Criteria: Invitae Variant Classification Sherloc (09022015). Collection method: clinical testing. Allele origin: germline.
Comment: This variant has not been reported in the literature in individuals affected with POT1-related conditions. This sequence change replaces glutamic acid, which is acidic and polar, with aspartic acid, which is acidic and polar, at codon 310 of the POT1 protein (p.Glu310Asp). This variant is not present in population databases (gnomAD no frequency). Advanced modeling of protein sequence and biophysical properties (such as structural, functional, and spatial information, amino acid conservation, physicochemical variation, residue mobility, and thermodynamic stability) performed at Invitae indicates that this missense variant is not expected to disrupt POT1 protein function. In summary, the available evidence is currently insufficient to determine the role of this variant in disease. Therefore, it has been classified as a Variant of Uncertain Significance.